The following is an entry in ClinVar:

ClinVar aggregate classification (germline): Uncertain significance. Review status: criteria provided, multiple submitters, no conflicts (2 of 4 stars). 2 submissions from 2 submitters: Uncertain significance (2). Last evaluated 2025-08-28.

Allele frequency attached by ClinVar (database versions not stated): gnomAD exomes below 0.00001; gnomAD 0.00001; TOPMed 0.00001.

Submissions (2):

Ambry Genetics
Classification: Uncertain significance. Last evaluated: 2025-08-28. Review status: criteria provided, single submitter. Criteria: Ambry Variant Classification Scheme 2023. Collection method: clinical testing. Allele origin: germline.

Labcorp Genetics (formerly Invitae), Labcorp
Classification: Uncertain significance. Last evaluated: 2022-07-23. Review status: criteria provided, single submitter. Criteria: Invitae Variant Classification Sherloc (09022015). Collection method: clinical testing. Allele origin: germline.
Comment: In summary, the available evidence is currently insufficient to determine the role of this variant in disease. Therefore, it has been classified as a Variant of Uncertain Significance. Algorithms developed to predict the effect of missense changes on protein structure and function (SIFT, PolyPhen-2, Align-GVGD) all suggest that this variant is likely to be disruptive. This variant has not been reported in the literature in individuals affected with KLF10-related conditions. This variant is not present in population databases (gnomAD no frequency). This sequence change replaces tyrosine, which is neutral and polar, with cysteine, which is neutral and slightly polar, at codon 59 of the KLF10 protein (p.Tyr59Cys).

NM_005655.4(KLF10):c.176A>G (p.Tyr59Cys)

Gene: KLF10 (KLF transcription factor 10; minus strand). Cytogenetic location: 8q22.3.
Variant type: single nucleotide variant.
Coding change: c.176A>G on transcript NM_005655.4 (MANE Select); coding-DNA position 176, A replaced by G.
Protein change: p.Tyr59Cys; replaces tyrosine 59 with cysteine.
Molecular consequence: missense variant. On other transcripts: non-coding transcript variant (2).
Genome position (GRCh38, 1-based): chr8:102,652,258, T>C on the plus strand (A>G on the coding strand, the complement: KLF10 is on the minus strand). VCF-style: chr8-102652258-T-C. GRCh37 (hg19) VCF-style: chr8-103664486-T-C.
Other names: c.143A>G, p.Tyr48Cys (NM_001032282.4); c.176A>G (NM_005655.2); short protein forms Y48C, Y59C.
Identifiers: ClinVar variation 1897549 (VCV001897549.6), dbSNP rs1349774885, ClinGen allele CA371630265.